The following is an entry in ClinVar:

ClinVar aggregate classification (germline): Uncertain significance (1 of 4 stars; one submission).

Conditions:
Atrial fibrillation, familial, 7 (ATFB7). Identifiers: MedGen C2677106, MONDO:0012828, OMIM 612240.

Submission:

Labcorp Genetics (formerly Invitae), Labcorp
Classification: Uncertain significance for Atrial fibrillation, familial, 7. Last evaluated: 2024-11-04. Review status: criteria provided, single submitter. Criteria: Invitae Variant Classification Sherloc (09022015). Collection method: clinical testing. Allele origin: germline.
Comment: This sequence change replaces glycine, which is neutral and non-polar, with glutamic acid, which is acidic and polar, at codon 484 of the KCNA5 protein (p.Gly484Glu). This variant is not present in population databases (gnomAD no frequency). This variant has not been reported in the literature in individuals affected with KCNA5-related conditions. Invitae Evidence Modeling of protein sequence and biophysical properties (such as structural, functional, and spatial information, amino acid conservation, physicochemical variation, residue mobility, and thermodynamic stability) indicates that this missense variant is expected to disrupt KCNA5 protein function with a positive predictive value of 80%. In summary, the available evidence is currently insufficient to determine the role of this variant in disease. Therefore, it has been classified as a Variant of Uncertain Significance.

NM_002234.4(KCNA5):c.1451G>A (p.Gly484Glu)

Gene: KCNA5 (potassium voltage-gated channel subfamily A member 5; plus strand). Cytogenetic location: 12p13.32.
Variant type: single nucleotide variant.
Coding change: c.1451G>A on transcript NM_002234.4 (MANE Select); coding-DNA position 1451, G replaced by A.
Protein change: p.Gly484Glu; replaces glycine 484 with glutamic acid.
Molecular consequence: missense variant.
Genome position (GRCh38, 1-based): chr12:5,045,598, G>A. VCF-style: chr12-5045598-G-A. GRCh37 (hg19) VCF-style: chr12-5154764-G-A.
Other names: short protein forms G484E.
Identifiers: ClinVar variation 3719914 (VCV003719914.2).
Genomic context (GRCh38, chr12:5,045,598, plus strand): 5'-TCTCTAGCATCCCTGACGCCTTCTGGTGGGCAGTGGTCACCATGACCACTGTGGGCTACG[G>A]GGACATGAGGCCCATCACTGTTGGGGGCAAGATCGTGGGCTCGCTGTGTGCCATCGCCGG-3'
Protein context (NP_002225.2, residues 474-494): AVVTMTTVGY[Gly484Glu]DMRPITVGGK